The following is an entry in ClinVar:

NM_000129.4(F13A1):c.872C>G (p.Ser291Trp)

Gene: F13A1 (coagulation factor XIII A chain; minus strand). Cytogenetic location: 6p25.1.
Variant type: single nucleotide variant.
Coding change: c.872C>G on transcript NM_000129.4 (MANE Select); coding-DNA position 872, C replaced by G.
Protein change: p.Ser291Trp; replaces serine 291 with tryptophan.
Molecular consequence: missense variant.
Genome position (GRCh38, 1-based): chr6:6,224,787, G>C on the plus strand (C>G on the coding strand, the complement: F13A1 is on the minus strand). VCF-style: chr6-6224787-G-C. GRCh37 (hg19) VCF-style: chr6-6225020-G-C.
Other names: short protein forms S291W.
Identifiers: ClinVar variation 3063776 (VCV003063776.1), dbSNP rs1252588034, ClinGen allele CA362740071.

ClinVar aggregate classification (germline): Uncertain significance (1 of 4 stars; one submission).

Submission:

Women's Health and Genetics/Laboratory Corporation of America, LabCorp
Classification: Uncertain significance. Last evaluated: 2024-01-05. Review status: criteria provided, single submitter. Criteria: LabCorp Variant Classification Summary - May 2015. Collection method: clinical testing. Allele origin: germline.
Comment: Variant summary: F13A1 c.872C>G (p.Ser291Trp) results in a non-conservative amino acid change in the encoded protein sequence. Five of five in-silico tools predict a damaging effect of the variant on protein function. The variant was absent in 251370 control chromosomes (gnomAD). The available data on variant occurrences in the general population are insufficient to allow any conclusion about variant significance. To our knowledge, no occurrence of c.872C>G in individuals affected with Factor XIIIA Deficiency and no experimental evidence demonstrating its impact on protein function have been reported. No submitters have cited clinical-significance assessments for this variant to ClinVar. Based on the evidence outlined above, the variant was classified as uncertain significance.